The following is an entry in ClinVar:

ClinVar aggregate classification (germline): Uncertain significance (1 of 4 stars; one submission).

Conditions:
Hereditary cancer-predisposing syndrome. Also called: Neoplastic Syndromes, Hereditary; Tumor predisposition; Hereditary neoplastic syndrome; Hereditary Cancer Syndrome. Identifiers: Orphanet 140162, MedGen C0027672, MeSH D009386, MONDO:0015356.

Submission:

Ambry Genetics
Classification: Uncertain significance for Hereditary cancer-predisposing syndrome. Last evaluated: 2026-07-07. Review status: criteria provided, single submitter. Criteria: Ambry Variant Classification Scheme 2023. Collection method: clinical testing. Allele origin: germline.
Comment: The p.K3N variant (also known as c.9A>C), located in coding exon 1 of the PHOX2B gene, results from an A to C substitution at nucleotide position 9. The lysine at codon 3 is replaced by asparagine, an amino acid with similar properties. This amino acid position is conserved. In addition, the in silico prediction for this alteration is inconclusive. Based on the available evidence, the clinical significance of this variant remains unclear.

NM_003924.4(PHOX2B):c.9A>C (p.Lys3Asn)

Genes: PHOX2B (paired like homeobox 2B; minus strand), PHOX2B-AS1 (PHOX2B antisense RNA 1; plus strand). Cytogenetic location: 4p13.
Variant type: single nucleotide variant.
Coding change: c.9A>C on transcript NM_003924.4 (MANE Select); coding-DNA position 9, A replaced by C.
Protein change: p.Lys3Asn; replaces lysine 3 with asparagine.
Molecular consequence: missense variant.
Genome position (GRCh38, 1-based): chr4:41,748,602, T>G on the plus strand (A>C on the coding strand, the complement: PHOX2B is on the minus strand). VCF-style: chr4-41748602-T-G. GRCh37 (hg19) VCF-style: chr4-41750619-T-G.
Other names: short protein forms K3N.
Identifiers: ClinVar variation 5026620 (VCV005026620.1).